The following is an entry in ClinVar:

ClinVar aggregate classification (germline): Uncertain significance (1 of 4 stars; one submission).

Conditions:
Autoimmune lymphoproliferative syndrome type 1. Also called: AUTOIMMUNE LYMPHOPROLIFERATIVE SYNDROME, TYPE I, AUTOSOMAL DOMINANT. Identifiers: Orphanet 3261, MedGen C2717884, MONDO:0011158, OMIM 601859.

Allele frequency attached by ClinVar (database versions not stated): gnomAD exomes below 0.00001; TOPMed below 0.00001; gnomAD 0.00001.
gnomAD v4.1: 3 of 1,613,942 alleles (0.00019%); highest among the groups gnomAD compares: African/African-American, 0.0013%; no homozygotes.

Submission:

Labcorp Genetics (formerly Invitae), Labcorp
Classification: Uncertain significance for Autoimmune lymphoproliferative syndrome. Last evaluated: 2022-02-03. Review status: criteria provided, single submitter. Criteria: Invitae Variant Classification Sherloc (09022015). Collection method: clinical testing. Allele origin: germline.
Comment: This sequence change replaces arginine, which is basic and polar, with tryptophan, which is neutral and slightly polar, at codon 198 of the FASLG protein (p.Arg198Trp). This variant is not present in population databases (gnomAD no frequency). This variant has not been reported in the literature in individuals affected with FASLG-related conditions. Algorithms developed to predict the effect of missense changes on protein structure and function are either unavailable or do not agree on the potential impact of this missense change (SIFT: "Deleterious"; PolyPhen-2: "Probably Damaging"; Align-GVGD: "Class C0"). In summary, the available evidence is currently insufficient to determine the role of this variant in disease. Therefore, it has been classified as a Variant of Uncertain Significance.

NM_000639.3(FASLG):c.592C>T (p.Arg198Trp)

Gene: FASLG (Fas ligand; plus strand). Cytogenetic location: 1q24.3.
Variant type: single nucleotide variant.
Coding change: c.592C>T on transcript NM_000639.3 (MANE Select); coding-DNA position 592, C replaced by T.
Protein change: p.Arg198Trp; replaces arginine 198 with tryptophan.
Molecular consequence: missense variant. On other transcripts: 3 prime UTR variant (1).
Genome position (GRCh38, 1-based): chr1:172,665,762, C>T. VCF-style: chr1-172665762-C-T. GRCh37 (hg19) VCF-style: chr1-172634902-C-T.
Other names: c.*162C>T (NM_001302746.2); short protein forms R198W.
Identifiers: ClinVar variation 2092369 (VCV002092369.1), dbSNP rs1205013237, ClinGen allele CA343806189.